The following is an entry in ClinVar:

NM_033026.6(PCLO):c.5452A>G (p.Arg1818Gly)

Gene: PCLO (piccolo presynaptic cytomatrix protein; minus strand). Cytogenetic location: 7q21.11.
Variant type: single nucleotide variant.
Coding change: c.5452A>G on transcript NM_033026.6 (MANE Select); coding-DNA position 5452, A replaced by G.
Protein change: p.Arg1818Gly; replaces arginine 1818 with glycine.
Molecular consequence: missense variant.
Genome position (GRCh38, 1-based): chr7:82,955,501, T>C on the plus strand (A>G on the coding strand, the complement: PCLO is on the minus strand). VCF-style: chr7-82955501-T-C. GRCh37 (hg19) VCF-style: chr7-82584817-T-C.
Other names: c.5452A>G, p.Arg1818Gly (NM_014510.3); c.5452A>G (NM_033026.5); short protein forms R1818G.
Identifiers: ClinVar variation 1387115 (VCV001387115.4), dbSNP rs748292923, ClinGen allele CA4320648.
Genomic context (GRCh38, chr7:82,955,501, plus strand): 5'-GAGATGCATCTTCAATGGGAGAGAGATTACTAGGTGGTGTCTTTGGCCTTTCCCTTCTTC[T>C]CTGAGCTCGAAGTTCATCTTTGTCTTTCTTTGATTTTTTACTAGAACTCTTTCTTTGTTG-3'
Protein context (NP_149015.2, residues 1808-1828): KKDKDELRAQ[Arg1818Gly]RRERPKTPPS

ClinVar aggregate classification (germline): Uncertain significance. Review status: criteria provided, multiple submitters, no conflicts (2 of 4 stars). 2 submissions from 2 submitters: Uncertain significance (2). Last evaluated 2022-08-08.

Conditions:
Inborn genetic diseases. Identifiers: MedGen C0950123, MeSH D030342.

Allele frequency attached by ClinVar (database versions not stated): gnomAD exomes 0.00001 and 0.00002; ExAC 0.00002; gnomAD 0.00003; TOPMed 0.00003.
gnomAD v4.1: 18 of 1,613,706 alleles (0.0011%); highest among the groups gnomAD compares: Non-Finnish European, 0.0014%; no homozygotes.

Submissions (2):

Ambry Genetics
Classification: Uncertain significance for Inborn genetic diseases. Last evaluated: 2022-08-08. Review status: criteria provided, single submitter. Criteria: Ambry Variant Classification Scheme 2023. Collection method: clinical testing. Allele origin: germline.

Labcorp Genetics (formerly Invitae), Labcorp
Classification: Uncertain significance. Last evaluated: 2022-01-13. Review status: criteria provided, single submitter. Criteria: Invitae Variant Classification Sherloc (09022015). Collection method: clinical testing. Allele origin: germline.
Comment: This sequence change replaces arginine, which is basic and polar, with glycine, which is neutral and non-polar, at codon 1818 of the PCLO protein (p.Arg1818Gly). This variant is present in population databases (rs748292923, gnomAD 0.006%). This variant has not been reported in the literature in individuals affected with PCLO-related conditions. Algorithms developed to predict the effect of missense changes on protein structure and function are either unavailable or do not agree on the potential impact of this missense change (SIFT: "Deleterious"; PolyPhen-2: "Not Available"; Align-GVGD: "Class C0"). In summary, the available evidence is currently insufficient to determine the role of this variant in disease. Therefore, it has been classified as a Variant of Uncertain Significance.